The following is an entry in ClinVar:

ClinVar aggregate classification (germline): Benign (0 of 4 stars; one submission).

Conditions:
DGKA-related disorder. Also called: DGKA-related condition.

Allele frequency attached by ClinVar (database versions not stated): ExAC 0.00336; gnomAD 0.00970; TOPMed 0.01068; 1000 Genomes Project 0.01138; ESP Exome Variant Server 0.01199; 1000 Genomes Project 30x 0.01234.
gnomAD v4.1: 2,790 of 1,614,130 alleles (0.17%); highest among the groups gnomAD compares: African/African-American, 3.3%; 49 homozygotes.

Submission:

PreventionGenetics, part of Exact Sciences
Classification: Benign for DGKA-related condition. Last evaluated: 2020-01-06. Review status: no assertion criteria provided. Collection method: clinical testing. Allele origin: germline.
Comment: This variant is classified as benign based on ACMG/AMP sequence variant interpretation guidelines (Richards et al. 2015 PMID: 25741868, with internal and published modifications).

NM_001345.5(DGKA):c.1194G>A (p.Gln398=)

Gene: DGKA (diacylglycerol kinase alpha; plus strand). Cytogenetic location: 12q13.2.
Variant type: single nucleotide variant.
Coding change: c.1194G>A on transcript NM_001345.5 (MANE Select); coding-DNA position 1194, G replaced by A.
Protein change: p.Gln398=; no amino-acid change (glutamine 398 retained).
Molecular consequence: synonymous variant. On other transcripts: non-coding transcript variant (2), intron variant (2).
Genome position (GRCh38, 1-based): chr12:55,941,528, G>A. VCF-style: chr12-55941528-G-A. GRCh37 (hg19) VCF-style: chr12-56335312-G-A.
Other names: c.1194G>A, p.Gln398= (NM_001351033.2, NM_001351034.2, NM_001413596.1 and 5 more transcripts); c.1308G>A, p.Gln436= (NM_001351035.1); c.771G>A, p.Gln257= (NM_001351036.2, NM_001351037.1); c.132G>A, p.Gln44= (NM_001351038.2, NM_001351039.2, NM_001351040.2); c.1170G>A, p.Gln390= (NM_001413599.1, NM_001413600.1, NM_001413601.1); c.1011G>A, p.Gln337= (NM_001413604.1); c.1175+203G>A (NM_001413603.1, NM_001413602.1).
Identifiers: ClinVar variation 3041353 (VCV003041353.2), dbSNP rs34323718, ClinGen allele CA6619514.